The following is an entry in ClinVar:

ClinVar aggregate classification (germline): Conflicting classifications of pathogenicity. Review status: criteria provided, conflicting classifications (1 of 4 stars). 3 submissions from 3 submitters: Pathogenic (1); Uncertain significance (1); Likely benign (1). Last evaluated 2025-10-03.

Conditions:
Inborn genetic diseases. Identifiers: MedGen C0950123, MeSH D030342.
Hereditary spastic paraplegia 26 (SPG26). Also called: SPASTIC PARAPLEGIA 26, AUTOSOMAL RECESSIVE. Identifiers: Orphanet 101006, MedGen C1836632, MONDO:0012213, OMIM 609195.
Spastic paraplegia. Identifiers: MedGen C0037772, HP:0001258.

Allele frequency attached by ClinVar (database versions not stated): gnomAD below 0.00001 and 0.00001; gnomAD exomes 0.00004 and 0.00009; ExAC 0.00010.
gnomAD v4.1: 66 of 1,609,046 alleles (0.0041%); highest among the groups gnomAD compares: South Asian, 0.065%; 1 homozygote.

Submissions (3):

Ambry Genetics
Classification: Uncertain significance for Inborn genetic diseases. Last evaluated: 2025-10-03. Review status: criteria provided, single submitter. Criteria: Ambry Variant Classification Scheme 2023. Collection method: clinical testing. Allele origin: germline.

Labcorp Genetics (formerly Invitae), Labcorp
Classification: Likely benign for Spastic paraplegia. Last evaluated: 2023-10-13. Review status: criteria provided, single submitter. Criteria: Invitae Variant Classification Sherloc (09022015). Collection method: clinical testing. Allele origin: germline.

Payam Genetics Center, General Welfare Department of North Khorasan Province
Classification: Pathogenic for Hereditary spastic paraplegia 26. Last evaluated: 2023-03-01. Review status: criteria provided, single submitter. Criteria: ACMG Guidelines, 2015. Collection method: clinical testing. Allele origin: germline. Affected: yes. Observed: 1 variant allele.
Comment: The B4GALNT1(p.S171F) is a missense mutation and its result is a disfunctional or nonfunctional protien. The B4GALNT1 gene is associated whit autosomal recessive spastic paraplagia 26. This variant is not present in population databases (ExAC no frequency), was not found in 1000G, AD exome, and Iranom. This variant has not been reported in the literature in individuals affected with B4GALNT1-related conditions.

NM_001478.5(B4GALNT1):c.512C>T (p.Ser171Phe)

Gene: B4GALNT1 (beta-1,4-N-acetyl-galactosaminyltransferase 1; minus strand). Cytogenetic location: 12q13.3.
Variant type: single nucleotide variant.
Coding change: c.512C>T on transcript NM_001478.5 (MANE Select); coding-DNA position 512, C replaced by T.
Protein change: p.Ser171Phe; replaces serine 171 with phenylalanine.
Molecular consequence: missense variant.
Genome position (GRCh38, 1-based): chr12:57,630,497, G>A on the plus strand (C>T on the coding strand, the complement: B4GALNT1 is on the minus strand). VCF-style: chr12-57630497-G-A. GRCh37 (hg19) VCF-style: chr12-58024280-G-A.
Other names: c.512C>T (NM_001478.3); c.347C>T, p.Ser116Phe (NM_001276468.2); c.512C>T, p.Ser171Phe (NM_001276469.2); short protein forms S116F, S171F.
Identifiers: ClinVar variation 1000899 (VCV001000899.11), dbSNP rs759353736, ClinGen allele CA6655744.
Genomic context (GRCh38, chr12:57,630,497, plus strand): 5'-TGATGCCTACTTGGCCTCCTTGCCTTCTTGTTTTCTCTCACCTGGTATACCTCCTGACCA[G>A]AAGCTGCCTGAAGGCTCAGCCCTAGGAGAAAGGAGTGGGGGGATCAGAATCACATAGGCA-3'
Protein context (NP_001469.1, residues 161-181): LVPGLSLQAA[Ser171Phe]GQEVYQVNLT